The following is an entry in ClinVar:

ClinVar aggregate classification (germline): Uncertain significance (1 of 4 stars; one submission).

Conditions:
Autism, susceptibility to, X-linked 2 (AUTSX2). Also called: Autism susceptibility, X-linked 2. Identifiers: MedGen C1845539, MONDO:0010341, OMIM 300495.

Submission:

Victorian Clinical Genetics Services, Murdoch Childrens Research Institute
Classification: Uncertain significance for Autism, susceptibility to, X-linked 2. Last evaluated: 2024-10-10. Review status: criteria provided, single submitter. Criteria: ACMG Guidelines, 2015. Collection method: clinical testing. Allele origin: germline. Inheritance: X-linked inheritance. Affected: yes.
Comment: Based on the classification scheme VCGS_Germline_v1.3.5, this variant is classified as VUS-3C. Following criteria are met: 0102 - Loss of function is a known mechanism of disease in this gene and is associated with X-linked intellectual developmental disorder (MIM#300495). (I) 0109 - This gene is associated with X-linked disease. Affected males and females have been reported (OMIM). (I) 0112 - The condition associated with this gene has incomplete penetrance. Unaffected males have been reported (PMID: 15622415). (I) 0200 - Variant is predicted to result in a missense amino acid change from asparagine to serine. (I) 0253 - This variant is hemizygous. (I) 0304 - Variant is present in gnomAD <0.01 (v4; 0 heterozygotes, 0 homozygotes, 1 hemizygote). (SP) 0309 - An alternative amino acid change at the same position has been observed in gnomAD (v4; 1 heterozygote, 0 homozygotes, 0 hemizygotes). (I) 0503 - Missense variant consistently predicted to be tolerated by multiple in silico tools or not conserved in placental mammals with a minor amino acid change. (SB) 0600 - Variant is located in the annotated carboxylesterase domain (DECIPHER). (I) 0705 - No comparable missense variants have previous evidence for pathogenicity. (I) 0807 - This variant has no previous evidence of pathogenicity. (I) 0905 - No published segregation evidence has been identified for this variant. (I) 1007 - No published functional evidence has been identified for this variant. (I) Legend: (SP) - Supporting pathogenic, (I) - Information, (SB) - Supporting benign

Literature cited by the submitters: PubMed 15622415.

NM_181332.3(NLGN4X):c.1178A>G (p.Asn393Ser)

Gene: NLGN4X (neuroligin 4 X-linked; minus strand). Cytogenetic location: Xp22.32.
Variant type: single nucleotide variant.
Coding change: c.1178A>G on transcript NM_181332.3 (MANE Select); coding-DNA position 1178, A replaced by G.
Protein change: p.Asn393Ser; replaces asparagine 393 with serine.
Molecular consequence: missense variant.
Genome position (GRCh38, 1-based): chrX:5,903,500, T>C on the plus strand (A>G on the coding strand, the complement: NLGN4X is on the minus strand). VCF-style: chrX-5903500-T-C. GRCh37 (hg19) VCF-style: chrX-5821541-T-C.
Other names: c.1178A>G, p.Asn393Ser (NM_001282145.2, NM_001282146.2, NM_020742.4); short protein forms N393S.
Identifiers: ClinVar variation 3377315 (VCV003377315.1).